The following is an entry in ClinVar:

NM_030665.4(RAI1):c.5363G>T (p.Gly1788Val)

Gene: RAI1 (retinoic acid induced 1; plus strand). Cytogenetic location: 17p11.2.
Variant type: single nucleotide variant.
Coding change: c.5363G>T on transcript NM_030665.4 (MANE Select); coding-DNA position 5363, G replaced by T.
Protein change: p.Gly1788Val; replaces glycine 1788 with valine.
Molecular consequence: missense variant.
Genome position (GRCh38, 1-based): chr17:17,798,311, G>T. VCF-style: chr17-17798311-G-T. GRCh37 (hg19) VCF-style: chr17-17701625-G-T.
Other names: short protein forms G1788V.
Identifiers: ClinVar variation 2007160 (VCV002007160.4), dbSNP rs546410050, ClinGen allele CA288371995.

ClinVar aggregate classification (germline): Uncertain significance (1 of 4 stars; one submission).

Allele frequency attached by ClinVar (database versions not stated): gnomAD 0.00001; 1000 Genomes Project 30x 0.00016; 1000 Genomes Project 0.00020.

Submission:

Labcorp Genetics (formerly Invitae), Labcorp
Classification: Uncertain significance. Last evaluated: 2022-06-16. Review status: criteria provided, single submitter. Criteria: Invitae Variant Classification Sherloc (09022015). Collection method: clinical testing. Allele origin: germline.
Comment: This sequence change replaces glycine, which is neutral and non-polar, with valine, which is neutral and non-polar, at codon 1788 of the RAI1 protein (p.Gly1788Val). This variant is not present in population databases (gnomAD no frequency). This variant has not been reported in the literature in individuals affected with RAI1-related conditions. Algorithms developed to predict the effect of missense changes on protein structure and function (SIFT, PolyPhen-2, Align-GVGD) all suggest that this variant is likely to be tolerated. In summary, the available evidence is currently insufficient to determine the role of this variant in disease. Therefore, it has been classified as a Variant of Uncertain Significance.